The following is an entry in ClinVar:

NM_001036.6(RYR3):c.7670A>C (p.Asp2557Ala)

Gene: RYR3 (ryanodine receptor 3; plus strand). Cytogenetic location: 15q14.
Variant type: single nucleotide variant.
Coding change: c.7670A>C on transcript NM_001036.6 (MANE Select); coding-DNA position 7670, A replaced by C.
Protein change: p.Asp2557Ala; replaces aspartic acid 2557 with alanine.
Molecular consequence: missense variant.
Genome position (GRCh38, 1-based): chr15:33,739,845, A>C. VCF-style: chr15-33739845-A-C. GRCh37 (hg19) VCF-style: chr15-34032046-A-C.
Other names: c.7670A>C, p.Asp2557Ala (NM_001243996.4); short protein forms D2557A.
Identifiers: ClinVar variation 461953 (VCV000461953.6), dbSNP rs766576655, ClinGen allele CA7459964.

ClinVar aggregate classification (germline): Uncertain significance (1 of 4 stars; one submission).

Conditions:
Epileptic encephalopathy. Identifiers: MedGen C0543888, HP:0200134.

Allele frequency attached by ClinVar (database versions not stated): ExAC 0.00001; gnomAD 0.00001; TOPMed 0.00001; gnomAD exomes 0.00002 and 0.00005.
gnomAD v4.1: 74 of 1,613,400 alleles (0.0046%); highest among the groups gnomAD compares: Non-Finnish European, 0.0059%; no homozygotes.

Submission:

Labcorp Genetics (formerly Invitae), Labcorp
Classification: Uncertain significance for Epileptic encephalopathy. Last evaluated: 2021-08-30. Review status: criteria provided, single submitter. Criteria: Invitae Variant Classification Sherloc (09022015). Collection method: clinical testing. Allele origin: germline.
Comment: This sequence change replaces aspartic acid with alanine at codon 2557 of the RYR3 protein (p.Asp2557Ala). The aspartic acid residue is moderately conserved and there is a moderate physicochemical difference between aspartic acid and alanine. This variant is present in population databases (rs766576655, ExAC 0.002%). This variant has not been reported in the literature in individuals affected with RYR3-related conditions. Algorithms developed to predict the effect of missense changes on protein structure and function are either unavailable or do not agree on the potential impact of this missense change (SIFT: "Deleterious"; PolyPhen-2: "Benign"; Align-GVGD: "Class C25"). In summary, the available evidence is currently insufficient to determine the role of this variant in disease. Therefore, it has been classified as a Variant of Uncertain Significance.